The following is an entry in ClinVar:

NM_014384.3(ACAD8):c.670A>G (p.Thr224Ala)

Gene: ACAD8 (acyl-CoA dehydrogenase family member 8; plus strand). Cytogenetic location: 11q25.
Variant type: single nucleotide variant.
Coding change: c.670A>G on transcript NM_014384.3 (MANE Select); coding-DNA position 670, A replaced by G.
Protein change: p.Thr224Ala; replaces threonine 224 with alanine.
Molecular consequence: missense variant.
Genome position (GRCh38, 1-based): chr11:134,259,710, A>G. VCF-style: chr11-134259710-A-G. GRCh37 (hg19) VCF-style: chr11-134129604-A-G.
Other names: short protein forms T224A.
Identifiers: ClinVar variation 1515441 (VCV001515441.6), dbSNP rs748422726, ClinGen allele CA6373027.

ClinVar aggregate classification (germline): Uncertain significance (1 of 4 stars; one submission).

Conditions:
Deficiency of isobutyryl-CoA dehydrogenase. Also called: IBD DEFICIENCY; ACAD8 DEFICIENCY; ACYL-CoA DEHYDROGENASE FAMILY, MEMBER 8, DEFICIENCY OF. Identifiers: Orphanet 79159, MedGen C1969809, MONDO:0012648, OMIM 611283.

Allele frequency attached by ClinVar (database versions not stated): gnomAD exomes below 0.00001 and 0.00001; TOPMed below 0.00001; ExAC 0.00001.
gnomAD v4.1: 4 of 1,614,076 alleles (0.00025%); highest among the groups gnomAD compares: Admixed American, 0.005%; no homozygotes.

Submission:

Labcorp Genetics (formerly Invitae), Labcorp
Classification: Uncertain significance for Deficiency of isobutyryl-CoA dehydrogenase. Last evaluated: 2025-10-22. Review status: criteria provided, single submitter. Criteria: Invitae Variant Classification Sherloc (09022015). Collection method: clinical testing. Allele origin: germline.
Comment: This sequence change replaces threonine, which is neutral and polar, with alanine, which is neutral and non-polar, at codon 224 of the ACAD8 protein (p.Thr224Ala). This variant is present in population databases (rs748422726, gnomAD 0.006%). This variant has not been reported in the literature in individuals affected with ACAD8-related conditions. ClinVar contains an entry for this variant (Variation ID: 1515441). Invitae Evidence Modeling of protein sequence and biophysical properties (such as structural, functional, and spatial information, amino acid conservation, physicochemical variation, residue mobility, and thermodynamic stability) indicates that this missense variant is not expected to disrupt ACAD8 protein function with a negative predictive value of 80%. In summary, the available evidence is currently insufficient to determine the role of this variant in disease. Therefore, it has been classified as a Variant of Uncertain Significance.